The following is an entry in ClinVar:

NC_000001.10:g.(?_25870180)_(26795632_?)del

Genes: PAFAH2 (platelet activating factor acetylhydrolase 2; minus strand), FAM110D (family with sequence similarity 110 member D; plus strand), SH3BGRL3 (SH3 domain binding glutamate rich protein like 3; plus strand), MTFR1L (mitochondrial fission regulator 1 like; plus strand), EXTL1 (exostosin like glycosyltransferase 1; plus strand) and 19 more. Cytogenetic location: 1p36.11.
Variant type: Deletion.
Identifiers: ClinVar variation 1072550 (VCV001072550.7).

ClinVar aggregate classification (germline): Pathogenic (1 of 4 stars; one submission).

Conditions:
Hypercholesterolemia, familial, 4 (FHCL4). Also called: HYPERCHOLESTEROLEMIA, AUTOSOMAL RECESSIVE, 1; HYPERCHOLESTEROLEMIA, AUTOSOMAL RECESSIVE, 2. Identifiers: Orphanet 391665, MedGen C1863512, MONDO:0011374, OMIM 603813.

Submission:

Labcorp Genetics (formerly Invitae), Labcorp
Classification: Pathogenic for Hypercholesterolemia, familial, 4. Last evaluated: 2020-08-14. Review status: criteria provided, single submitter. Criteria: Invitae Variant Classification Sherloc (09022015). Collection method: clinical testing. Allele origin: germline.
Comment: A gross deletion of the genomic region encompassing the full coding sequence of the LDLRAP1 gene has been identified. The boundaries of this event are unknown as the deletion extends beyond the assayed region for this gene and therefore may encompass additional genes. This variant has not been reported in the literature in individuals with LDLRAP1-related conditions. Loss-of-function variants in LDLRAP1 are known to be pathogenic (PMID: 11326085, 12464675). For these reasons, this variant has been classified as Pathogenic.

Literature cited by the submitters: PubMed 11326085; PubMed 12464675.